The following is an entry in ClinVar:

NM_016356.5(DCDC2):c.1237G>A (p.Gly413Ser)

Gene: DCDC2 (doublecortin domain containing 2; minus strand). Cytogenetic location: 6p22.3.
Variant type: single nucleotide variant.
Coding change: c.1237G>A on transcript NM_016356.5 (MANE Select); coding-DNA position 1237, G replaced by A.
Protein change: p.Gly413Ser; replaces glycine 413 with serine.
Molecular consequence: missense variant.
Genome position (GRCh38, 1-based): chr6:24,178,419, C>T on the plus strand (G>A on the coding strand, the complement: DCDC2 is on the minus strand). VCF-style: chr6-24178419-C-T. GRCh37 (hg19) VCF-style: chr6-24178647-C-T.
Other names: c.1237G>A, p.Gly413Ser (NM_001195610.2); c.1237G>A (NM_016356.3); short protein forms G413S.
Identifiers: ClinVar variation 1407612 (VCV001407612.6), dbSNP rs771499861, ClinGen allele CA3654476.

ClinVar aggregate classification (germline): Uncertain significance. Review status: criteria provided, multiple submitters, no conflicts (2 of 4 stars). 3 submissions from 3 submitters: Uncertain significance (3). Last evaluated 2025-02-25.

Conditions:
Inborn genetic diseases. Identifiers: MedGen C0950123, MeSH D030342.
Autosomal recessive nonsyndromic hearing loss 66 (DFNB66). Also called: Deafness, autosomal recessive 66. Identifiers: Orphanet 90636, MedGen C1857750, MONDO:0012442, OMIM 610212.
Isolated neonatal sclerosing cholangitis (NSC). Also called: Sclerosing cholangitis, neonatal. Identifiers: Orphanet 480556, MedGen C4479344, MONDO:0018816, OMIM 617394.

Allele frequency attached by ClinVar (database versions not stated): gnomAD exomes 0.00001 and 0.00006; TOPMed 0.00002; gnomAD 0.00003 and 0.00004; ExAC 0.00005.
gnomAD v4.1: 25 of 1,614,046 alleles (0.0015%); highest among the groups gnomAD compares: East Asian, 0.049%; no homozygotes.

Submissions (3):

Labcorp Genetics (formerly Invitae), Labcorp
Classification: Uncertain significance for Autosomal recessive nonsyndromic hearing loss 66; Isolated neonatal sclerosing cholangitis. Last evaluated: 2025-02-25. Review status: criteria provided, single submitter. Criteria: Invitae Variant Classification Sherloc (09022015). Collection method: clinical testing. Allele origin: germline.
Comment: This sequence change replaces glycine, which is neutral and non-polar, with serine, which is neutral and polar, at codon 413 of the DCDC2 protein (p.Gly413Ser). This variant is present in population databases (rs771499861, gnomAD 0.08%). This variant has not been reported in the literature in individuals affected with DCDC2-related conditions. ClinVar contains an entry for this variant (Variation ID: 1407612). An algorithm developed to predict the effect of missense changes on protein structure and function (PolyPhen-2) suggests that this variant is likely to be disruptive. In summary, the available evidence is currently insufficient to determine the role of this variant in disease. Therefore, it has been classified as a Variant of Uncertain Significance.

Ambry Genetics
Classification: Uncertain significance for Inborn genetic diseases. Last evaluated: 2024-01-23. Review status: criteria provided, single submitter. Criteria: Ambry Variant Classification Scheme 2023. Collection method: clinical testing. Allele origin: germline.

Blueprint Genetics
Classification: Uncertain significance. Last evaluated: 2020-11-19. Review status: criteria provided, single submitter. Criteria: ACMG Guidelines, 2015. Collection method: clinical testing. Allele origin: germline.